The following is an entry in ClinVar:

ClinVar aggregate classification (germline): Uncertain significance (1 of 4 stars; one submission).

Submission:

GeneDx
Classification: Uncertain significance. Last evaluated: 2026-03-20. Review status: criteria provided, single submitter. Criteria: GeneDx Variant Classification Process June 2021. Collection method: clinical testing. Allele origin: germline.
Comment: Not observed at significant frequency in large population cohorts (gnomAD); In silico analysis supports a deleterious effect on splicing; Has not been previously published as pathogenic or benign to our knowledge

NM_003097.6(SNRPN):c.3+13A>G

Genes: SNHG14 (small nucleolar RNA host gene 14; plus strand), SNRPN (small nuclear ribonucleoprotein polypeptide N; plus strand), SNURF (SNRPN upstream open reading frame; plus strand). Cytogenetic location: 15q11.2.
Variant type: single nucleotide variant.
Coding change: c.3+13A>G on transcript NM_003097.6 (MANE Select); 13 bases into the intron after coding-DNA position 3, A replaced by G.
Molecular consequence: intron variant.
Genome position (GRCh38, 1-based): chr15:24,974,469, A>G. VCF-style: chr15-24974469-A-G. GRCh37 (hg19) VCF-style: chr15-25219616-A-G.
Other names: c.3+13A>G (NM_001400647.1, NM_001400649.1, NM_001349458.2 and 100 more transcripts); c.-302+13A>G (NM_001378254.1, NM_001378252.1, NM_001378255.1); c.-301-173A>G (NM_001378253.1, NM_001378251.1); c.-21-889A>G (NM_001378256.1, NM_001400767.1, NM_001378257.1); c.*191+13A>G (NM_005678.5).
Identifiers: ClinVar variation 5016903 (VCV005016903.1).